The following is an entry in ClinVar:

ClinVar aggregate classification (germline): Conflicting classifications of pathogenicity. Review status: criteria provided, conflicting classifications (1 of 4 stars). 4 submissions from 4 submitters: Uncertain significance (2); Likely benign (2). Last evaluated 2024-01-19.

Conditions:
Hereditary breast ovarian cancer syndrome. Also called: BRCA1- and BRCA2-Associated Hereditary Breast and Ovarian Cancer; Hereditary breast and ovarian cancer syndrome; Hereditary breast and/or ovarian cancer syndrome; Hereditary breast and ovarian cancer syndrome (HBOC); Hereditary breast and ovarian cancer; Breast and ovarian cancer. Identifiers: Orphanet 145, MedGen C0677776, MeSH D061325, MONDO:0003582. Disease mechanism: loss of function.

Allele frequency attached by ClinVar (database versions not stated): gnomAD exomes below 0.00001; ExAC 0.00001.
gnomAD v4.1: 2 of 1,607,124 alleles (0.00012%); highest among the groups gnomAD compares: South Asian, 0.0011%; no homozygotes.

Submissions (4):

Labcorp Genetics (formerly Invitae), Labcorp
Classification: Uncertain significance for Hereditary breast ovarian cancer syndrome. Last evaluated: 2024-01-19. Review status: criteria provided, single submitter. Criteria: Invitae Variant Classification Sherloc (09022015). Collection method: clinical testing. Allele origin: germline.
Comment: This sequence change falls in intron 11 of the BRCA1 gene. It does not directly change the encoded amino acid sequence of the BRCA1 protein. It affects a nucleotide within the consensus splice site. This variant is present in population databases (rs766330646, gnomAD no frequency). This variant has not been reported in the literature in individuals affected with BRCA1-related conditions. ClinVar contains an entry for this variant (Variation ID: 462638). Variants that disrupt the consensus splice site are a relatively common cause of aberrant splicing (PMID: 17576681, 9536098). Algorithms developed to predict the effect of sequence changes on RNA splicing suggest that this variant is not likely to affect RNA splicing. In summary, the available evidence is currently insufficient to determine the role of this variant in disease. Therefore, it has been classified as a Variant of Uncertain Significance.

Blueprint Genetics
Classification: Likely benign. Last evaluated: 2022-08-22. Review status: criteria provided, single submitter. Criteria: ACMG Guidelines, 2015. Collection method: clinical testing. Allele origin: germline.

Quest Diagnostics Nichols Institute San Juan Capistrano
Classification: Uncertain significance. Last evaluated: 2018-04-21. Review status: criteria provided, single submitter. Criteria: Quest Diagnostics criteria. Collection method: clinical testing. Allele origin: germline.

GeneDx
Classification: Likely benign. Last evaluated: 2018-03-30. Review status: criteria provided, single submitter. Criteria: GeneDx Variant Classification (06012015). Collection method: clinical testing. Allele origin: germline. Affected: yes.
Comment: This variant is considered likely benign or benign based on one or more of the following criteria: it is a conservative change, it occurs at a poorly conserved position in the protein, it is predicted to be benign by multiple in silico algorithms, and/or has population frequency not consistent with disease.

Literature cited by the submitters: PubMed 17576681 (cited by Labcorp Genetics (formerly Invitae), Labcorp); PubMed 9536098 (cited by Labcorp Genetics (formerly Invitae), Labcorp).

NM_007294.4(BRCA1):c.4185+5A>G

Gene: BRCA1 (BRCA1 DNA repair associated; minus strand). Cytogenetic location: 17q21.31.
Variant type: single nucleotide variant.
Coding change: c.4185+5A>G on transcript NM_007294.4 (MANE Select); 5 bases into the intron after coding-DNA position 4185, A replaced by G.
Molecular consequence: intron variant.
Genome position (GRCh38, 1-based): chr17:43,090,939, T>C on the plus strand (A>G on the coding strand, the complement: BRCA1 is on the minus strand). VCF-style: chr17-43090939-T-C. GRCh37 (hg19) VCF-style: chr17-41242956-T-C.
Other names: c.735+5A>G (NM_001408458.1, NM_001408469.1, NM_001408453.1 and 11 more transcripts); c.3297+5A>G (NM_001407967.1, NM_001407966.1); c.3804+5A>G (NM_001407959.1, NM_001407963.1, NM_001407960.1); c.3918+5A>G (NM_001407931.1, NM_001407932.1, NM_001407934.1 and 2 more transcripts); c.4041+5A>G (NM_001407747.1, NM_001407848.1, NM_001407839.1 and 20 more transcripts); c.3801+5A>G (NM_001407962.1); c.372+5A>G (NM_001408512.1); c.495+5A>G (NM_001408510.1); and 41 more.
Identifiers: ClinVar variation 462638 (VCV000462638.13), dbSNP rs766330646, ClinGen allele CA059589.